The following is an entry in ClinVar:

ClinVar aggregate classification (germline): Likely benign. Review status: criteria provided, single submitter (1 of 4 stars). 2 submissions from 2 submitters: Likely benign (1). 1 of the submissions does not count toward it. Last evaluated 2024-09-23.

Conditions:
GRIN2D-related disorder. Also called: GRIN2D-related condition.

Allele frequency attached by ClinVar (database versions not stated): gnomAD exomes below 0.00001; gnomAD 0.00001; TOPMed 0.00001.
gnomAD v4.1: 7 of 1,613,756 alleles (0.00043%); highest among the groups gnomAD compares: Non-Finnish European, 0.00059%; no homozygotes.

Submissions (2):

Labcorp Genetics (formerly Invitae), Labcorp
Classification: Likely benign. Last evaluated: 2024-09-23. Review status: criteria provided, single submitter. Criteria: Invitae Variant Classification Sherloc (09022015). Collection method: clinical testing. Allele origin: germline.

PreventionGenetics, part of Exact Sciences
Classification: Likely benign for GRIN2D-related condition. Last evaluated: 2019-05-28. Review status: no assertion criteria provided. Collection method: clinical testing. Allele origin: germline. Not counted in ClinVar's aggregate classification.
Comment: This variant is classified as likely benign based on ACMG/AMP sequence variant interpretation guidelines (Richards et al. 2015 PMID: 25741868, with internal and published modifications).

NM_000836.4(GRIN2D):c.1602C>T (p.Asp534=)

Gene: GRIN2D (glutamate ionotropic receptor NMDA type subunit 2D; plus strand). Cytogenetic location: 19q13.33.
Variant type: single nucleotide variant.
Coding change: c.1602C>T on transcript NM_000836.4 (MANE Select); coding-DNA position 1602, C replaced by T.
Protein change: p.Asp534=; no amino-acid change (aspartic acid 534 retained).
Molecular consequence: synonymous variant.
Genome position (GRCh38, 1-based): chr19:48,416,022, C>T. VCF-style: chr19-48416022-C-T. GRCh37 (hg19) VCF-style: chr19-48919279-C-T.
Other names: c.1602C>T (NM_000836.2).
Identifiers: ClinVar variation 2175147 (VCV002175147.5), dbSNP rs1461904559, ClinGen allele CA508037879.